The following is an entry in ClinVar:

NM_003873.7(NRP1):c.1283-5C>A

Gene: NRP1 (neuropilin 1; minus strand). Cytogenetic location: 10p11.22.
Variant type: single nucleotide variant.
Coding change: c.1283-5C>A on transcript NM_003873.7 (MANE Select); 5 bases into the intron before coding-DNA position 1283, C replaced by A.
Molecular consequence: intron variant.
Genome position (GRCh38, 1-based): chr10:33,213,722, G>T on the plus strand (C>A on the coding strand, the complement: NRP1 is on the minus strand). VCF-style: chr10-33213722-G-T. GRCh37 (hg19) VCF-style: chr10-33502650-G-T.
Other names: c.1283-5C>A (NM_001244973.2, NM_001244972.2, NM_001330068.2 and 2 more transcripts).
Identifiers: ClinVar variation 3348231 (VCV003348231.1).
Genomic context (GRCh38, chr10:33,213,722, plus strand): 5'-CTGGGAGTCAGAAATAAGTCCAGACACCATACCCAACATTCCAGAGCAAGGATAATCTGG[G>T]AAGTGAAATGAAACAGATAATGTAAAATGATTTCCTGGGCGACTCCATGCTAAGAAATAA-3'

ClinVar aggregate classification (germline): Uncertain significance (0 of 4 stars; one submission).

Conditions:
NRP1-related disorder. Also called: NRP1-related condition.

gnomAD v4.1: 4 of 1,559,924 alleles (0.00026%); highest among the groups gnomAD compares: Admixed American, 0.0076%; no homozygotes.

Submission:

PreventionGenetics, part of Exact Sciences
Classification: Uncertain significance for NRP1-related condition. Last evaluated: 2023-11-17. Review status: no assertion criteria provided. Collection method: clinical testing. Allele origin: germline.
Comment: The NRP1 c.1283-5C>A variant is predicted to interfere with splicing. To our knowledge, this variant has not been reported in the literature or in a large population database, indicating this variant is rare. At this time, the clinical significance of this variant is uncertain due to the absence of conclusive functional and genetic evidence.